The following is an entry in ClinVar:

NM_002524.5(NRAS):c.412G>A (p.Gly138Arg)

Gene: NRAS (NRAS proto-oncogene, GTPase; minus strand). Cytogenetic location: 1p13.2.
Variant type: single nucleotide variant.
Coding change: c.412G>A on transcript NM_002524.5 (MANE Select); coding-DNA position 412, G replaced by A.
Protein change: p.Gly138Arg; replaces glycine 138 with arginine.
Molecular consequence: missense variant.
Genome position (GRCh38, 1-based): chr1:114,709,607, C>T on the plus strand (G>A on the coding strand, the complement: NRAS is on the minus strand). VCF-style: chr1-114709607-C-T. GRCh37 (hg19) VCF-style: chr1-115252228-C-T.
Other names: c.412G>A (NM_002524.4); short protein forms G138R.
Identifiers: ClinVar variation 1708361 (VCV001708361.8), dbSNP rs751774011, ClinGen allele CA1020712.

ClinVar aggregate classification (germline): Uncertain significance. Review status: criteria provided, multiple submitters, no conflicts (2 of 4 stars). 3 submissions from 3 submitters: Uncertain significance (3). Last evaluated 2025-12-15.

Conditions:
Cardiovascular phenotype. Identifiers: MedGen CN230736.
RASopathy. Also called: Noonan spectrum disorder; rasopathies. Identifiers: Orphanet 536391, MedGen C5555857, MONDO:0021060.

Allele frequency attached by ClinVar (database versions not stated): gnomAD exomes below 0.00001; ExAC 0.00001.
gnomAD v4.1: 4 of 1,614,046 alleles (0.00025%); highest among the groups gnomAD compares: Non-Finnish European, 0.00034%; no homozygotes.

Submissions (3):

Ambry Genetics
Classification: Uncertain significance for Cardiovascular phenotype. Last evaluated: 2025-12-15. Review status: criteria provided, single submitter. Criteria: Ambry Variant Classification Scheme 2023. Collection method: clinical testing. Allele origin: germline.
Comment: The p.G138R variant (also known as c.412G>A), located in coding exon 3 of the NRAS gene, results from a G to A substitution at nucleotide position 412. The glycine at codon 138 is replaced by arginine, an amino acid with dissimilar properties. This amino acid position is highly conserved in available vertebrate species. In addition, this alteration is predicted to be deleterious by in silico analysis. Based on the available evidence, the clinical significance of this variant remains unclear.

Labcorp Genetics (formerly Invitae), Labcorp
Classification: Uncertain significance for RASopathy. Last evaluated: 2024-05-05. Review status: criteria provided, single submitter. Criteria: Invitae Variant Classification Sherloc (09022015). Collection method: clinical testing. Allele origin: germline.
Comment: This sequence change replaces glycine, which is neutral and non-polar, with arginine, which is basic and polar, at codon 138 of the NRAS protein (p.Gly138Arg). This variant is present in population databases (rs751774011, gnomAD 0.0009%). This variant has not been reported in the literature in individuals affected with NRAS-related conditions. ClinVar contains an entry for this variant (Variation ID: 1708361). An algorithm developed to predict the effect of missense changes on protein structure and function (PolyPhen-2) suggests that this variant is likely to be tolerated. Experimental studies have shown that this missense change does not substantially affect NRAS function (PMID: 34117033). In summary, the available evidence is currently insufficient to determine the role of this variant in disease. Therefore, it has been classified as a Variant of Uncertain Significance.

Centre of Medical Genetics, University Hospital Muenster
Classification: Uncertain significance. Last evaluated: 2021-12-08. Review status: criteria provided, single submitter. Criteria: ACMG Guidelines, 2015. Collection method: clinical testing. Allele origin: unknown. Affected: yes. Observed: 1 variant allele, 1 heterozygote.
Comment: ACMG categories: PM1,PM2,PP3,BP1

Literature cited by the submitters: PubMed 34117033 (cited by Labcorp Genetics (formerly Invitae), Labcorp).